The following is an entry in ClinVar:

NM_001134407.3(GRIN2A):c.1652-6T>C

Gene: GRIN2A (glutamate ionotropic receptor NMDA type subunit 2A; minus strand). Cytogenetic location: 16p13.2.
Variant type: single nucleotide variant.
Coding change: c.1652-6T>C on transcript NM_001134407.3 (MANE Select); 6 bases into the intron before coding-DNA position 1652, T replaced by C.
Molecular consequence: intron variant.
Genome position (GRCh38, 1-based): chr16:9,834,236, A>G on the plus strand (T>C on the coding strand, the complement: GRIN2A is on the minus strand). VCF-style: chr16-9834236-A-G. GRCh37 (hg19) VCF-style: chr16-9928093-A-G.
Other names: c.1652-6T>C (NM_001134408.2, NM_000833.5).
Identifiers: ClinVar variation 383701 (VCV000383701.1), dbSNP rs1057521713, ClinGen allele CA16607585.

ClinVar aggregate classification (germline): Likely benign (1 of 4 stars; one submission).

Submission:

GeneDx
Classification: Likely benign. Last evaluated: 2016-02-15. Review status: criteria provided, single submitter. Criteria: GeneDx Variant Classification (06012015). Collection method: clinical testing. Allele origin: germline. Affected: yes.
Comment: This variant is considered likely benign or benign based on one or more of the following criteria: it is a conservative change, it occurs at a poorly conserved position in the protein, it is predicted to be benign by multiple in silico algorithms, and/or has population frequency not consistent with disease.